The following is an entry in ClinVar:

ClinVar aggregate classification (germline): Likely pathogenic. Review status: criteria provided, multiple submitters, no conflicts (2 of 4 stars). 3 submissions from 3 submitters: Likely pathogenic (3). Last evaluated 2025-10-08.

Conditions:
Congenital hyperammonemia, type I. Also called: CPS I DEFICIENCY; Carbamoyl-phosphate synthase I deficiency; Carbamoyl phosphate synthetase 1 deficiency; Hyperammonemia due to carbamoyl phosphate synthetase 1 deficiency; CPS 1 deficiency; Carbamyl phosphate synthetase (CPS) deficiency. Identifiers: Orphanet 147, MedGen C4082171, MONDO:0009376, OMIM 237300.
Pulmonary hypertension, neonatal, susceptibility to (PHN). Identifiers: MedGen C3714958, MONDO:0014151, OMIM 615371.

gnomAD v4.1: 2 of 1,612,362 alleles (0.00012%); highest among the groups gnomAD compares: African/African-American, 0.0027%; no homozygotes.

Submissions (3):

Natera, Inc.
Classification: Likely pathogenic for Carbamoyl-phosphate synthase I deficiency. Last evaluated: 2025-10-08. Review status: criteria provided, single submitter. Criteria: Natera Variant Classification Schema (03/2026). Collection method: clinical testing. Allele origin: germline.
Comment: The c.1760G>T variant in CPS1 is a missense variant predicted to cause substitution of arginine to leucine at amino acid 587. This variant is rare in the general population with a frequency below the threshold expected for the associated phenotype(s). This variant has been observed in one or more individuals affected with the associated recessive disease, as either homozygous or compound heterozygous with a second variant (PMID: 33309754, 32447331). This variant has been identified in one or more affected individual with a phenotype highly consistent with the associated gene (PMID: 33309754). Computational prediction algorithms indicate this variant is likely to affect gene or protein function. Given the available evidence, this variant is classified as Likely Pathogenic.

Fulgent Genetics
Classification: Likely pathogenic for Congenital hyperammonemia, type I; Pulmonary hypertension, neonatal, susceptibility to. Last evaluated: 2024-05-07. Review status: criteria provided, single submitter. Criteria: ACMG Guidelines, 2015. Collection method: clinical testing. Allele origin: germline.

Women's Health and Genetics/Laboratory Corporation of America, LabCorp
Classification: Likely pathogenic for Congenital hyperammonemia, type I. Last evaluated: 2024-05-01. Review status: criteria provided, single submitter. Criteria: LabCorp Variant Classification Summary - May 2015. Collection method: clinical testing. Allele origin: germline.
Comment: Variant summary: CPS1 c.1760G>T (p.Arg587Leu) results in a non-conservative amino acid change located in the Carbamoyl-phosphate synthetase large subunit-like, ATP-binding domain (IPR005479) of the encoded protein sequence. Five of five in-silico tools predict a damaging effect of the variant on protein function. The variant was absent in 250578 control chromosomes. c.1760G>T has been reported in the literature in individuals affected with Carbamoylphosphate Synthetase I Deficiency (Makris_2021). These data indicate that the variant may be associated with disease. A different variant affecting the same codon has been classified as pathogenic by our lab (c.1760G>A, p.Arg587His), supporting the critical relevance of codon 587 to CPS1 protein function. To our knowledge, no experimental evidence demonstrating an impact on protein function has been reported. The following publication has been ascertained in the context of this evaluation (PMID: 33309754). No submitters have cited clinical-significance assessments for this variant to ClinVar. Based on the evidence outlined above, the variant was classified as likely pathogenic.

Literature cited by the submitters: PubMed 33309754 (cited by Natera, Inc. and Women's Health and Genetics/Laboratory Corporation of America, LabCorp); PubMed 32447331 (cited by Natera, Inc.).

NM_001875.5(CPS1):c.1760G>T (p.Arg587Leu)

Gene: CPS1 (carbamoyl-phosphate synthase 1; plus strand). Cytogenetic location: 2q34.
Variant type: single nucleotide variant.
Coding change: c.1760G>T on transcript NM_001875.5 (MANE Select); coding-DNA position 1760, G replaced by T.
Protein change: p.Arg587Leu; replaces arginine 587 with leucine.
Molecular consequence: missense variant. On other transcripts: non-coding transcript variant (2).
Genome position (GRCh38, 1-based): chr2:210,602,254, G>T. VCF-style: chr2-210602254-G-T. GRCh37 (hg19) VCF-style: chr2-211466978-G-T.
Other names: c.1760G>T, p.Arg587Leu (NM_001122633.3, NM_001369257.1); c.1793G>T, p.Arg598Leu (NM_001369256.1); short protein forms R587L, R598L.
Identifiers: ClinVar variation 3336300 (VCV003336300.3).
Genomic context (GRCh38, chr2:210,602,254, plus strand): 5'-GTTGACAGATTGAGGATGCACTGAAGGCAGCAGACACCATTGGCTACCCAGTGATGATCC[G>T]TTCCGCCTATGCACTGGGTGGGTTAGGCTCAGGCATCTGTCCCAACAGAGAGACTTTGAT-3'
Protein context (NP_001866.2, residues 577-597): ADTIGYPVMI[Arg587Leu]SAYALGGLGS